The following is an entry in ClinVar:

ClinVar aggregate classification (germline): Uncertain significance (1 of 4 stars; one submission).

Allele frequency attached by ClinVar (database versions not stated): gnomAD exomes below 0.00001; ExAC 0.00001.
gnomAD v4.1: 6 of 1,607,946 alleles (0.00037%); highest among the groups gnomAD compares: Non-Finnish European, 0.00051%; no homozygotes.

Submission:

Labcorp Genetics (formerly Invitae), Labcorp
Classification: Uncertain significance. Last evaluated: 2025-07-31. Review status: criteria provided, single submitter. Criteria: Invitae Variant Classification Sherloc (09022015). Collection method: clinical testing. Allele origin: germline.
Comment: This sequence change replaces threonine, which is neutral and polar, with alanine, which is neutral and non-polar, at codon 565 of the ZNF408 protein (p.Thr565Ala). The frequency data for this variant in the population databases is considered unreliable, as metrics indicate poor data quality at this position in the gnomAD database. This variant has not been reported in the literature in individuals affected with ZNF408-related conditions. ClinVar contains an entry for this variant (Variation ID: 998988). An algorithm developed to predict the effect of missense changes on protein structure and function (PolyPhen-2) suggests that this variant is likely to be disruptive. In summary, the available evidence is currently insufficient to determine the role of this variant in disease. Therefore, it has been classified as a Variant of Uncertain Significance.

NM_024741.3(ZNF408):c.1693A>G (p.Thr565Ala)

Gene: ZNF408 (zinc finger protein 408; plus strand). Cytogenetic location: 11p11.2.
Variant type: single nucleotide variant.
Coding change: c.1693A>G on transcript NM_024741.3 (MANE Select); coding-DNA position 1693, A replaced by G.
Protein change: p.Thr565Ala; replaces threonine 565 with alanine.
Molecular consequence: missense variant.
Genome position (GRCh38, 1-based): chr11:46,705,393, A>G. VCF-style: chr11-46705393-A-G. GRCh37 (hg19) VCF-style: chr11-46726943-A-G.
Other names: c.1669A>G, p.Thr557Ala (NM_001184751.2); short protein forms T557A, T565A.
Identifiers: ClinVar variation 998988 (VCV000998988.8), dbSNP rs770176632, ClinGen allele CA5966623.